The following is an entry in ClinVar:

NM_201550.4(LRRC10):c.832T>C (p.Ter278Arg)

Gene: LRRC10 (leucine rich repeat containing 10; minus strand). Cytogenetic location: 12q15.
Variant type: single nucleotide variant.
Coding change: c.832T>C on transcript NM_201550.4 (MANE Select); coding-DNA position 832, T replaced by C.
Protein change: p.Ter278Arg.
Molecular consequence: stop lost.
Genome position (GRCh38, 1-based): chr12:69,610,007, A>G on the plus strand (T>C on the coding strand, the complement: LRRC10 is on the minus strand). VCF-style: chr12-69610007-A-G. GRCh37 (hg19) VCF-style: chr12-70003787-A-G.
Other names: *278R.
Identifiers: ClinVar variation 956684 (VCV000956684.9), dbSNP rs200140508, ClinGen allele CA6680981.

ClinVar aggregate classification (germline): Uncertain significance (1 of 4 stars; one submission).

Allele frequency attached by ClinVar (database versions not stated): gnomAD exomes 0.00002 and 0.00007; ExAC 0.00003; gnomAD 0.00003 and 0.00004; TOPMed 0.00005; ESP Exome Variant Server 0.00015.

Submission:

Labcorp Genetics (formerly Invitae), Labcorp
Classification: Uncertain significance. Last evaluated: 2025-02-05. Review status: criteria provided, single submitter. Criteria: Invitae Variant Classification Sherloc (09022015). Collection method: clinical testing. Allele origin: germline.
Comment: This sequence change disrupts the translational stop signal of the LRRC10 mRNA. It is expected to extend the length of the LRRC10 protein by 40 additional amino acid residues. This variant is present in population databases (rs200140508, gnomAD 0.008%). This variant has not been reported in the literature in individuals affected with LRRC10-related conditions. ClinVar contains an entry for this variant (Variation ID: 956684). Experimental studies and prediction algorithms are not available or were not evaluated, and the functional significance of this variant is currently unknown. In summary, the available evidence is currently insufficient to determine the role of this variant in disease. Therefore, it has been classified as a Variant of Uncertain Significance.